The following is an entry in ClinVar:

NM_022455.5(NSD1):c.2672_2676del (p.Ser891fs)

Gene: NSD1 (nuclear receptor binding SET domain protein 1; plus strand). Cytogenetic location: 5q35.3.
Variant type: Deletion.
Coding change: c.2672_2676del on transcript NM_022455.5 (MANE Select); coding-DNA positions 2672 to 2676, 5 bases deleted (CTTCT; older notation c.2672_2676delCTTCT).
Protein change: p.Ser891fs; shifts the reading frame from serine 891.
Molecular consequence: frameshift variant.
Genome position (GRCh38, 1-based): chr5:177,211,071-177,211,075, CTTCT deleted; deleting any 5 consecutive bases within chr5:177,211,067-177,211,075 gives the same sequence; the c. name uses the placement nearest the transcript's 3' end. VCF-style (leftmost placement, unchanged base first): chr5-177211066-TTTCTC-T. GRCh37 (hg19) VCF-style: chr5-176638067-TTTCTC-T.
Other names: c.1799_1803delCTTCT, p.Ser600Cysfs (NM_001365684.2, NM_001409306.1, NM_001409307.1 and 3 more transcripts); c.2672_2676delCTTCT, p.Ser891Cysfs (NM_001409301.1, NM_001409302.1, NM_001409303.1 and 1 more transcripts); c.2252_2256delCTTCT, p.Ser751Cysfs (NM_001409304.1); c.1919_1923delCTTCT, p.Ser640Cysfs (NM_001409305.1); short protein forms S891fs, S622fs.
Identifiers: ClinVar variation 430048 (VCV000430048.15), dbSNP rs1131691754, ClinGen allele CA645369388.

ClinVar aggregate classification (germline): Pathogenic. Review status: criteria provided, multiple submitters, no conflicts (2 of 4 stars). 5 submissions from 5 submitters: Pathogenic (5). Last evaluated 2023-09-04.

Conditions:
Sotos syndrome (SOTOS). Also called: CEREBRAL GIGANTISM; Sotos' syndrome; Distinctive facial appearance, overgrowth in childhood, and learning disabilities or delayed development; CHROMOSOME 5q35 DELETION SYNDROME; SOTOS SYNDROME 1. Identifiers: Orphanet 821, MedGen C0175695, MONDO:0019349, OMIM 117550.
Inborn genetic diseases. Identifiers: MedGen C0950123, MeSH D030342.
NSD1-related disorder. Also called: NSD1-related condition.

Submissions (5):

Blueprint Genetics
Classification: Pathogenic for NSD1-related disorders. Last evaluated: 2023-09-04. Review status: criteria provided, single submitter. Criteria: ACMG Guidelines, 2015. Collection method: clinical testing. Allele origin: de novo. Affected: yes. Observed: 1 variant allele.

Labcorp Genetics (formerly Invitae), Labcorp
Classification: Pathogenic. Last evaluated: 2021-12-29. Review status: criteria provided, single submitter. Criteria: Invitae Variant Classification Sherloc (09022015). Collection method: clinical testing. Allele origin: germline.
Comment: For these reasons, this variant has been classified as Pathogenic. ClinVar contains an entry for this variant (Variation ID: 430048). This premature translational stop signal has been observed in individual(s) with clinical features of Sotos syndrome (Invitae). This variant is not present in population databases (gnomAD no frequency). This sequence change creates a premature translational stop signal (p.Ser891Cysfs*3) in the NSD1 gene. It is expected to result in an absent or disrupted protein product. Loss-of-function variants in NSD1 are known to be pathogenic (PMID: 12464997, 14571271, 15942875, 16247291).

Genome-Nilou Lab
Classification: Pathogenic for Sotos syndrome. Last evaluated: 2021-07-15. Review status: criteria provided, single submitter. Criteria: ACMG Guidelines, 2015. Collection method: clinical testing. Allele origin: germline. Affected: no.

GeneDx
Classification: Pathogenic. Last evaluated: 2019-11-06. Review status: criteria provided, single submitter. Criteria: GeneDx Variant Classification Process June 2021. Collection method: clinical testing. Allele origin: germline. Affected: yes.
Comment: Frameshift variant predicted to result in protein truncation or nonsense mediated decay in a gene for which loss-of-function is a known mechanism of disease; Not observed in large population cohorts (Lek et al., 2016); Has not been previously published as pathogenic or benign to our knowledge

Ambry Genetics
Classification: Pathogenic for Inborn genetic diseases. Last evaluated: 2016-04-14. Review status: criteria provided, single submitter. Criteria: Ambry exome assertion method (8-5-2015). Collection method: clinical testing. Allele origin: germline. Affected: yes. Observed: 1 variant allele.

Literature cited by the submitters: PubMed 12464997 (cited by Labcorp Genetics (formerly Invitae), Labcorp); PubMed 14571271 (cited by Labcorp Genetics (formerly Invitae), Labcorp); PubMed 15942875 (cited by Labcorp Genetics (formerly Invitae), Labcorp); PubMed 16247291 (cited by Labcorp Genetics (formerly Invitae), Labcorp).